The following is an entry in ClinVar:

NM_001148.6(ANK2):c.10069G>A (p.Val3357Ile)

Gene: ANK2 (ankyrin 2; plus strand). Cytogenetic location: 4q26.
Variant type: single nucleotide variant.
Coding change: c.10069G>A on transcript NM_001148.6 (MANE Select); coding-DNA position 10069, G replaced by A.
Protein change: p.Val3357Ile; replaces valine 3357 with isoleucine.
Molecular consequence: missense variant. On other transcripts: intron variant (68).
Genome position (GRCh38, 1-based): chr4:113,358,687, G>A. VCF-style: chr4-113358687-G-A. GRCh37 (hg19) VCF-style: chr4-114279843-G-A.
Other names: c.9835G>A, p.Val3279Ile (NM_001386142.1); c.6469G>A, p.Val2157Ile (NM_001386166.1); c.10210G>A, p.Val3404Ile (NM_001386174.1); c.10186G>A, p.Val3396Ile (NM_001386175.1); c.4412-2136G>A (NM_001386186.2, NM_001386148.2); c.4214-2136G>A (NM_001354269.3); c.4292-2136G>A (NM_001386187.2); c.4253-2136G>A (NM_001386147.1); and 35 more; short protein forms V3279I, V3404I, V3396I, V2157I, V3357I.
Identifiers: ClinVar variation 4760897 (VCV004760897.2).

ClinVar aggregate classification (germline): Uncertain significance. Review status: criteria provided, multiple submitters, no conflicts (2 of 4 stars). 2 submissions from 2 submitters: Uncertain significance (2). Last evaluated 2026-05-14.

Conditions:
Long QT syndrome (LQTS). Identifiers: MedGen C0023976, MeSH D008133, MONDO:0002442. Disease mechanism: loss of function. Inheritance: Various modes of inheritance.
Cardiovascular phenotype. Identifiers: MedGen CN230736.

gnomAD v4.1: 1 of 1,614,066 alleles (0.000062%); no homozygotes.

Submissions (2):

Ambry Genetics
Classification: Uncertain significance for Cardiovascular phenotype. Last evaluated: 2026-05-14. Review status: criteria provided, single submitter. Criteria: Ambry Variant Classification Scheme 2023. Collection method: clinical testing. Allele origin: germline.
Comment: The p.V3357I variant (also known as c.10069G>A), located in coding exon 38 of the ANK2 gene, results from a G to A substitution at nucleotide position 10069. The valine at codon 3357 is replaced by isoleucine, an amino acid with highly similar properties. This amino acid position is conserved. In addition, this alteration is predicted to be tolerated by in silico analysis. Based on the available evidence, the clinical significance of this variant remains unclear.

Labcorp Genetics (formerly Invitae), Labcorp
Classification: Uncertain significance for Long QT syndrome. Last evaluated: 2025-10-28. Review status: criteria provided, single submitter. Criteria: Invitae Variant Classification Sherloc (09022015). Collection method: clinical testing. Allele origin: germline.
Comment: This sequence change replaces valine, which is neutral and non-polar, with isoleucine, which is neutral and non-polar, at codon 3357 of the ANK2 protein (p.Val3357Ile). This variant is not present in population databases (gnomAD no frequency). This variant has not been reported in the literature in individuals affected with ANK2-related conditions. An algorithm developed to predict the effect of missense changes on protein structure and function (PolyPhen-2) suggests that this variant is likely to be tolerated. In summary, the available evidence is currently insufficient to determine the role of this variant in disease. Therefore, it has been classified as a Variant of Uncertain Significance.